The following is an entry in ClinVar:

ClinVar aggregate classification (germline): Uncertain significance (1 of 4 stars; one submission).

Conditions:
Hereditary cancer-predisposing syndrome. Also called: Neoplastic Syndromes, Hereditary; Tumor predisposition; Hereditary Cancer Syndrome; Hereditary neoplastic syndrome. Identifiers: Orphanet 140162, MedGen C0027672, MeSH D009386, MONDO:0015356.

Submission:

Ambry Genetics
Classification: Uncertain significance for Hereditary cancer-predisposing syndrome. Last evaluated: 2026-01-10. Review status: criteria provided, single submitter. Criteria: Ambry Variant Classification Scheme 2023. Collection method: clinical testing. Allele origin: germline.
Comment: The p.N215T variant (also known as c.644A>C), located in coding exon 4 of the BARD1 gene, results from an A to C substitution at nucleotide position 644. The asparagine at codon 215 is replaced by threonine, an amino acid with similar properties. This amino acid position is conserved. In addition, the in silico prediction for this alteration is inconclusive. Based on the available evidence, the clinical significance of this variant remains unclear.

NM_000465.4(BARD1):c.644A>C (p.Asn215Thr)

Gene: BARD1 (BRCA1 associated RING domain 1; minus strand). Cytogenetic location: 2q35.
Variant type: single nucleotide variant.
Coding change: c.644A>C on transcript NM_000465.4 (MANE Select); coding-DNA position 644, A replaced by C.
Protein change: p.Asn215Thr; replaces asparagine 215 with threonine.
Molecular consequence: missense variant. On other transcripts: non-coding transcript variant (2), intron variant (3).
Genome position (GRCh38, 1-based): chr2:214,781,230, T>G on the plus strand (A>C on the coding strand, the complement: BARD1 is on the minus strand). VCF-style: chr2-214781230-T-G. GRCh37 (hg19) VCF-style: chr2-215645954-T-G.
Other names: c.587A>C, p.Asn196Thr (NM_001282543.2); c.158+28182A>C (NM_001282548.2); c.215+15831A>C (NM_001282545.2); c.364+11067A>C (NM_001282549.2); short protein forms N215T, N196T.
Identifiers: ClinVar variation 4842590 (VCV004842590.1).